The following is an entry in ClinVar:

ClinVar aggregate classification (germline): Pathogenic (1 of 4 stars; one submission).

Submission:

Labcorp Genetics (formerly Invitae), Labcorp
Classification: Pathogenic. Last evaluated: 2023-06-05. Review status: criteria provided, single submitter. Criteria: Invitae Variant Classification Sherloc (09022015). Collection method: clinical testing. Allele origin: germline.
Comment: For these reasons, this variant has been classified as Pathogenic. Algorithms developed to predict the effect of sequence changes on RNA splicing suggest that this variant may disrupt the consensus splice site. This variant has not been reported in the literature in individuals affected with MCM3AP-related conditions. This variant is not present in population databases (gnomAD no frequency). This sequence change creates a premature translational stop signal (p.Asn1426Thrfs*4) in the MCM3AP gene. It is expected to result in an absent or disrupted protein product. Loss-of-function variants in MCM3AP are known to be pathogenic (PMID: 28633435).

Literature cited by the submitters: PubMed 28633435.

NM_003906.5(MCM3AP):c.4275del (p.Asn1426fs)

Genes: MCM3AP (minichromosome maintenance complex component 3 associated protein; minus strand), MCM3AP-AS1 (MCM3AP antisense RNA 1; plus strand). Cytogenetic location: 21q22.3.
Variant type: Deletion.
Coding change: c.4275del on transcript NM_003906.5 (MANE Select); coding-DNA position 4275, one base deleted (T; older notation c.4275delT).
Protein change: p.Asn1426fs; shifts the reading frame from asparagine 1426.
Molecular consequence: frameshift variant. On other transcripts: non-coding transcript variant (2).
Genome position (GRCh38, 1-based): chr21:46,251,544, A deleted on the plus strand (T on the coding strand, the reverse complement: MCM3AP is on the minus strand); the first of 2 consecutive A bases (chr21:46,251,544-46,251,545); deleting either gives the same sequence. VCF-style (leftmost placement, unchanged base first): chr21-46251543-TA-T. GRCh37 (hg19) VCF-style: chr21-47671457-TA-T.
Other names: short protein forms N1426fs.
Identifiers: ClinVar variation 2770246 (VCV002770246.3), dbSNP rs768746412, ClinGen allele CA2697547636.
Genomic context (GRCh38, chr21:46,251,543, plus strand): 5'-AAAGTAATGAAAACACAGAAGTAAACACAAAGTAATTATAGTTCACCTTTATACACACGT[TA>T]ACAGAAATCATCTGATCCCCTTTGCTGCTAAGTGAGTTGAAAAGCGAAAGCGTCTGAATC-3'